The following is an entry in ClinVar:

NM_001286445.3(RIPOR2):c.1620A>T (p.Gly540=)

Gene: RIPOR2 (RHO family interacting cell polarization regulator 2; minus strand). Cytogenetic location: 6p22.3.
Variant type: single nucleotide variant.
Coding change: c.1620A>T on transcript NM_001286445.3 (MANE Select); coding-DNA position 1620, A replaced by T.
Protein change: p.Gly540=; no amino-acid change (glycine 540 retained).
Molecular consequence: synonymous variant.
Genome position (GRCh38, 1-based): chr6:24,843,099, T>A on the plus strand (A>T on the coding strand, the complement: RIPOR2 is on the minus strand). VCF-style: chr6-24843099-T-A. GRCh37 (hg19) VCF-style: chr6-24843327-T-A.
Other names: c.1683A>T (NM_014722.4); c.1635A>T, p.Gly545= (NM_001286446.3); c.1533A>T, p.Gly511= (NM_001286447.2, NM_001346031.2, NM_001346032.2 and 1 more transcripts); c.1683A>T, p.Gly561= (NM_014722.5).
Identifiers: ClinVar variation 1680502 (VCV001680502.7), dbSNP rs377499174, ClinGen allele CA3659224.
Genomic context (GRCh38, chr6:24,843,099, plus strand): 5'-GTCTGTGGCCATTGGCACCTCTGCAGATGTGAGCCTCTTGACCAGCTGCTTTGTGATGTT[T>A]CCTTCCGAAGTGTCCAGTTCCACAGGCTTGAGCTCAGAGGCCTCCTCAGACTCTTGCAGA-3'
Protein context (NP_001273374.1, residues 530-550): LKPVELDTSE[Gly540=]NITKQLVKRL

ClinVar aggregate classification (germline): Uncertain significance. Review status: criteria provided, multiple submitters, no conflicts (2 of 4 stars). 2 submissions from 2 submitters: Uncertain significance (2). Last evaluated 2026-06-01.

Conditions:
RIPOR2-related disorder. Also called: RIPOR2-related condition.

Allele frequency attached by ClinVar (database versions not stated): ExAC 0.00001; gnomAD 0.00001; gnomAD exomes 0.00001; TOPMed 0.00002.
gnomAD v4.1: 17 of 1,613,892 alleles (0.0011%); highest among the groups gnomAD compares: East Asian, 0.016%; no homozygotes.

Submissions (2):

PreventionGenetics, part of Exact Sciences
Classification: Uncertain significance for RIPOR2-related condition. Last evaluated: 2026-06-01. Review status: criteria provided, single submitter. Criteria: ACMG Guidelines, 2015. Collection method: clinical testing. Allele origin: germline.
Comment: The RIPOR2 c.1683A>T variant is not predicted to result in an amino acid change (p.=). This variant is predicted to impact splicing based on available splicing prediction programs (SpliceAI, Jaganathan et al. 2019. PubMed ID: 30661751). To our knowledge, this variant has not been reported in the literature. This variant is reported in 0.020% of alleles in individuals of East Asian descent in gnomAD. At this time, the clinical significance of this variant is uncertain due to the absence of conclusive functional and genetic evidence.

Labcorp Genetics (formerly Invitae), Labcorp
Classification: Uncertain significance. Last evaluated: 2024-03-22. Review status: criteria provided, single submitter. Criteria: Invitae Variant Classification Sherloc (09022015). Collection method: clinical testing. Allele origin: germline.
Comment: This sequence change affects codon 561 of the FAM65B mRNA. It is a 'silent' change, meaning that it does not change the encoded amino acid sequence of the FAM65B protein. This variant is present in population databases (rs377499174, gnomAD 0.01%). This variant has not been reported in the literature in individuals affected with FAM65B-related conditions. ClinVar contains an entry for this variant (Variation ID: 1680502). Algorithms developed to predict the effect of sequence changes on RNA splicing suggest that this variant may create or strengthen a splice site. In summary, the available evidence is currently insufficient to determine the role of this variant in disease. Therefore, it has been classified as a Variant of Uncertain Significance.